The following is an entry in ClinVar:

ClinVar aggregate classification (germline): Uncertain significance (1 of 4 stars; one submission).

Conditions:
Cardiovascular phenotype. Identifiers: MedGen CN230736.

gnomAD v4.1: 1 of 1,614,118 alleles (0.000062%); highest among the groups gnomAD compares: African/African-American, 0.0013%; no homozygotes.

Submission:

Ambry Genetics
Classification: Uncertain significance for Cardiovascular phenotype. Last evaluated: 2025-04-14. Review status: criteria provided, single submitter. Criteria: Ambry Variant Classification Scheme 2023. Collection method: clinical testing. Allele origin: germline.
Comment: The p.C362W variant (also known as c.1086C>G), located in coding exon 7 of the SPRED1 gene, results from a C to G substitution at nucleotide position 1086. The cysteine at codon 362 is replaced by tryptophan, an amino acid with highly dissimilar properties. This amino acid position is conserved. In addition, this alteration is predicted to be deleterious by in silico analysis. Based on the available evidence, the clinical significance of this variant remains unclear.

NM_152594.3(SPRED1):c.1086C>G (p.Cys362Trp)

Gene: SPRED1 (sprouty related EVH1 domain containing 1; plus strand). Cytogenetic location: 15q14.
Variant type: single nucleotide variant.
Coding change: c.1086C>G on transcript NM_152594.3 (MANE Select); coding-DNA position 1086, C replaced by G.
Protein change: p.Cys362Trp; replaces cysteine 362 with tryptophan.
Molecular consequence: missense variant.
Genome position (GRCh38, 1-based): chr15:38,351,415, C>G. VCF-style: chr15-38351415-C-G. GRCh37 (hg19) VCF-style: chr15-38643616-C-G.
Other names: short protein forms C362W.
Identifiers: ClinVar variation 3961373 (VCV003961373.1).